The following is an entry in ClinVar:

ClinVar aggregate classification (germline): Likely benign (1 of 4 stars; one submission).

gnomAD v4.1: 69 of 1,613,748 alleles (0.0043%); highest among the groups gnomAD compares: Admixed American, 0.02%; no homozygotes.

Submission:

CeGaT Center for Human Genetics Tuebingen
Classification: Likely benign. Last evaluated: 2026-07-01. Review status: criteria provided, single submitter. Criteria: CeGaT Center For Human Genetics Tuebingen Variant Classification Criteria Version 2. Collection method: clinical testing. Allele origin: germline. Affected: yes. Observed: 3 variant alleles.
Comment: FMN2: BP4, BP7

NM_020066.5(FMN2):c.1764G>A (p.Thr588=)

Gene: FMN2 (formin 2; plus strand). Cytogenetic location: 1q43.
Variant type: single nucleotide variant.
Coding change: c.1764G>A on transcript NM_020066.5 (MANE Select); coding-DNA position 1764, G replaced by A.
Protein change: p.Thr588=; no amino-acid change (threonine 588 retained).
Molecular consequence: synonymous variant.
Genome position (GRCh38, 1-based): chr1:240,123,327, G>A. VCF-style: chr1-240123327-G-A. GRCh37 (hg19) VCF-style: chr1-240286627-G-A.
Other names: c.1764G>A, p.Thr588= (NM_001305424.2, NM_001348094.2).
Identifiers: ClinVar variation 4822147 (VCV004822147.4).
Genomic context (GRCh38, chr1:240,123,327, plus strand): 5'-GGGTCTTCTCCTTCCTTTTAGTGATTGCTTCAGGGAACCGTGTAATCAGAATGCCCAGAC[G>A]AATGCAGCTTCGTTTGATGTAAGTAGGAGAATTCACTTCTGTCCGTGAGGCAGATTTGCT-3'
Protein context (NP_064450.3, residues 578-598): FREPCNQNAQ[Thr588=]NAASFDQDQL